The following is an entry in ClinVar:

NM_001018005.2(TPM1):c.115-214C>G

Gene: TPM1 (tropomyosin 1; plus strand). Cytogenetic location: 15q22.2.
Variant type: single nucleotide variant.
Coding change: c.115-214C>G on transcript NM_001018005.2 (MANE Select); 214 bases into the intron before coding-DNA position 115, C replaced by G.
Molecular consequence: intron variant. On other transcripts: synonymous variant (4).
Genome position (GRCh38, 1-based): chr15:63,043,813, C>G. VCF-style: chr15-63043813-C-G. GRCh37 (hg19) VCF-style: chr15-63336012-C-G.
Other names: c.222C>G, p.Ala74= (NM_001018007.2, NM_001018020.2, NM_001301244.2 and 1 more transcripts); c.115-214C>G (NM_001018006.2, NM_001365776.1, NM_001018004.2 and 3 more transcripts); c.222C>G (NM_001018020.1).
Identifiers: ClinVar variation 922144 (VCV000922144.7), dbSNP rs947201175, ClinGen allele CA7601178.

ClinVar aggregate classification (germline): Benign/Likely benign. Review status: criteria provided, multiple submitters, no conflicts (2 of 4 stars). 3 submissions from 3 submitters: Benign (1); Likely benign (1). 1 of the submissions does not count toward it. Last evaluated 2018-11-16.

Conditions:
Cardiomyopathy (CMYO). Also called: Cardiomyopathies. Identifiers: Orphanet 167848, MedGen C0878544, MONDO:0004994, HP:0001638. Inheritance: Various modes of inheritance.
TPM1-related disorder. Also called: TPM1-related condition.

Allele frequency attached by ClinVar (database versions not stated): gnomAD exomes 0.00003; ExAC 0.00007; TOPMed 0.00015; gnomAD 0.00017 and 0.00021.
gnomAD v4.1: 43 of 1,548,632 alleles (0.0028%); highest among the groups gnomAD compares: African/African-American, 0.052%; no homozygotes.

Submissions (3):

Color Diagnostics, LLC DBA Color Health
Classification: Likely benign for Cardiomyopathy. Last evaluated: 2018-11-16. Review status: criteria provided, single submitter. Criteria: ACMG Guidelines, 2015. Collection method: clinical testing. Allele origin: germline.

GeneDx
Classification: Benign. Last evaluated: 2015-03-03. Review status: criteria provided, single submitter. Criteria: GeneDx Variant Classification Process June 2021. Collection method: clinical testing. Allele origin: germline. Affected: yes.

PreventionGenetics, part of Exact Sciences
Classification: Likely benign for TPM1-related condition. Last evaluated: 2019-04-11. Review status: no assertion criteria provided. Collection method: clinical testing. Allele origin: germline. Not counted in ClinVar's aggregate classification.
Comment: This variant is classified as likely benign based on ACMG/AMP sequence variant interpretation guidelines (Richards et al. 2015 PMID: 25741868, with internal and published modifications).